The following is an entry in ClinVar:

ClinVar aggregate classification (germline): Conflicting classifications of pathogenicity. Review status: criteria provided, conflicting classifications (1 of 4 stars). 2 submissions from 2 submitters: Uncertain significance (1); Likely benign (1). Last evaluated 2025-12-05.

Conditions:
Hereditary breast ovarian cancer syndrome. Also called: Hereditary breast and ovarian cancer syndrome (HBOC); Hereditary breast and ovarian cancer syndrome; Breast and ovarian cancer; Hereditary breast and ovarian cancer; Hereditary breast and/or ovarian cancer syndrome; BRCA1- and BRCA2-Associated Hereditary Breast and Ovarian Cancer. Identifiers: Orphanet 145, MedGen C0677776, MeSH D061325, MONDO:0003582. Disease mechanism: loss of function.
Hereditary cancer-predisposing syndrome. Also called: Neoplastic Syndromes, Hereditary; Tumor predisposition; Hereditary neoplastic syndrome; Hereditary Cancer Syndrome. Identifiers: Orphanet 140162, MedGen C0027672, MeSH D009386, MONDO:0015356.

Submissions (2):

Ambry Genetics
Classification: Likely benign for Hereditary cancer-predisposing syndrome. Last evaluated: 2025-12-05. Review status: criteria provided, single submitter. Criteria: Ambry Variant Classification Scheme 2023. Collection method: clinical testing. Allele origin: germline.

Labcorp Genetics (formerly Invitae), Labcorp
Classification: Uncertain significance for Hereditary breast ovarian cancer syndrome. Last evaluated: 2024-09-29. Review status: criteria provided, single submitter. Criteria: Invitae Variant Classification Sherloc (09022015). Collection method: clinical testing. Allele origin: germline.
Comment: This sequence change replaces aspartic acid, which is acidic and polar, with glycine, which is neutral and non-polar, at codon 2995 of the BRCA2 protein (p.Asp2995Gly). This variant is not present in population databases (gnomAD no frequency). This variant has not been reported in the literature in individuals affected with BRCA2-related conditions. ClinVar contains an entry for this variant (Variation ID: 663751). Invitae Evidence Modeling of protein sequence and biophysical properties (such as structural, functional, and spatial information, amino acid conservation, physicochemical variation, residue mobility, and thermodynamic stability) indicates that this missense variant is not expected to disrupt BRCA2 protein function with a negative predictive value of 95%. In summary, the available evidence is currently insufficient to determine the role of this variant in disease. Therefore, it has been classified as a Variant of Uncertain Significance.

NM_000059.4(BRCA2):c.8984A>G (p.Asp2995Gly)

Gene: BRCA2 (BRCA2 DNA repair associated; plus strand). Cytogenetic location: 13q13.1.
Variant type: single nucleotide variant.
Coding change: c.8984A>G on transcript NM_000059.4 (MANE Select); coding-DNA position 8984, A replaced by G.
Protein change: p.Asp2995Gly; replaces aspartic acid 2995 with glycine.
Molecular consequence: missense variant.
Genome position (GRCh38, 1-based): chr13:32,379,780, A>G. VCF-style: chr13-32379780-A-G. GRCh37 (hg19) VCF-style: chr13-32953917-A-G.
Other names: short protein forms D2995G.
Identifiers: ClinVar variation 663751 (VCV000663751.11), dbSNP rs1593937365, ClinGen allele CA387757413.